The following is an entry in ClinVar:

ClinVar aggregate classification (germline): Uncertain significance (1 of 4 stars; one submission).

Conditions:
DICER1-related tumor predisposition. Also called: DICER1 syndrome; DICER1-related pleuropulmonary blastoma cancer predisposition syndrome. Identifiers: Orphanet 284343, MedGen C3839822, MONDO:0100216.

Allele frequency attached by ClinVar (database versions not stated): gnomAD exomes below 0.00001.
gnomAD v4.1: 1 of 1,614,060 alleles (0.000062%); highest among the groups gnomAD compares: Non-Finnish European, 0.000085%; no homozygotes.

Submission:

Labcorp Genetics (formerly Invitae), Labcorp
Classification: Uncertain significance for DICER1-related tumor predisposition. Last evaluated: 2023-07-31. Review status: criteria provided, single submitter. Criteria: Invitae Variant Classification Sherloc (09022015). Collection method: clinical testing. Allele origin: germline.
Comment: This sequence change replaces valine, which is neutral and non-polar, with alanine, which is neutral and non-polar, at codon 1371 of the DICER1 protein (p.Val1371Ala). This variant is not present in population databases (gnomAD no frequency). This variant has not been reported in the literature in individuals affected with DICER1-related conditions. Advanced modeling of protein sequence and biophysical properties (such as structural, functional, and spatial information, amino acid conservation, physicochemical variation, residue mobility, and thermodynamic stability) performed at Invitae indicates that this missense variant is not expected to disrupt DICER1 protein function. In summary, the available evidence is currently insufficient to determine the role of this variant in disease. Therefore, it has been classified as a Variant of Uncertain Significance.

NM_177438.3(DICER1):c.4112T>C (p.Val1371Ala)

Gene: DICER1 (dicer 1, ribonuclease III; minus strand). Cytogenetic location: 14q32.13.
Variant type: single nucleotide variant.
Coding change: c.4112T>C on transcript NM_177438.3 (MANE Select); coding-DNA position 4112, T replaced by C.
Protein change: p.Val1371Ala; replaces valine 1371 with alanine.
Molecular consequence: missense variant. On other transcripts: non-coding transcript variant (6).
Genome position (GRCh38, 1-based): chr14:95,099,874, A>G on the plus strand (T>C on the coding strand, the complement: DICER1 is on the minus strand). VCF-style: chr14-95099874-A-G. GRCh37 (hg19) VCF-style: chr14-95566211-A-G.
Other names: c.4112T>C, p.Val1371Ala (NM_001395694.1, NM_001395695.1, NM_030621.4 and 13 more transcripts); c.3707T>C, p.Val1236Ala (NM_001395696.1, NM_001395687.1, NM_001395688.1 and 2 more transcripts); c.2429T>C, p.Val810Ala (NM_001395697.1); c.3830T>C, p.Val1277Ala (NM_001395686.1); c.3545T>C, p.Val1182Ala (NM_001395691.1); short protein forms V1182A, V1277A, V810A, V1236A, V1371A.
Identifiers: ClinVar variation 2748600 (VCV002748600.3), dbSNP rs2542601040, ClinGen allele CA390872087.
Genomic context (GRCh38, chr14:95,099,874, plus strand): 5'-TTGTCTTGATTTACTACATAACCAGGAGGAAGCCAATTCACAGGGGGATCAAATATTGAC[A>G]CCACCATGCGGCTGGGTAGTCCCTTCTTTTTTCCAAGGCGATACAGATTACAGTTGCTGA-3'
Protein context (NP_803187.1, residues 1361-1381): KKKGLPSRMV[Val1371Ala]SIFDPPVNWL